The following is an entry in ClinVar:

ClinVar aggregate classification (germline): Conflicting classifications of pathogenicity. Review status: criteria provided, conflicting classifications (1 of 4 stars). 2 submissions from 2 submitters: Likely pathogenic (1); Uncertain significance (1). Last evaluated 2026-05-17.

Conditions:
PKD1-related disorder. Also called: PKD1-related condition.

Submissions (2):

PreventionGenetics, part of Exact Sciences
Classification: Likely pathogenic for PKD1-related condition. Last evaluated: 2026-05-17. Review status: criteria provided, single submitter. Criteria: ACMG Guidelines, 2015. Collection method: clinical testing. Allele origin: germline.
Comment: The PKD1 c.1306T>C variant is predicted to result in the amino acid substitution p.Cys436Arg. This variant was reported to occur de novo in an individual with autosomal dominant polycystic kidney disease (ADPKD) (Table S1, Iliuta et al. 2017. PubMed ID: 28522688) and in another individual with ADPKD (Hoefele et al. 2010. PubMed ID: 21115670). Of note, a different rare substitution at the same codon, defined as c.1307G>A (p.Cys436Tyr), was also reported in an individual with ADPKD (Table IB, Rossetti et al. 2007. PubMed ID: 17582161). The c.1306T>C (p.Cys436Arg) variant has not been reported in a large population database (gnomAD), indicating this variant is rare. This variant is interpreted as likely pathogenic.

Athena Diagnostics
Classification: Uncertain significance. Last evaluated: 2017-03-21. Review status: criteria provided, single submitter. Criteria: Athena Diagnostics Criteria. Collection method: clinical testing. Allele origin: germline.

Literature cited by the submitters: PubMed 21115670 (cited by Athena Diagnostics).

NM_001009944.3(PKD1):c.1306T>C (p.Cys436Arg)

Gene: PKD1 (polycystin 1, transient receptor potential channel interacting; minus strand). Cytogenetic location: 16p13.3.
Variant type: single nucleotide variant.
Coding change: c.1306T>C on transcript NM_001009944.3 (MANE Select); coding-DNA position 1306, T replaced by C.
Protein change: p.Cys436Arg; replaces cysteine 436 with arginine.
Molecular consequence: missense variant.
Genome position (GRCh38, 1-based): chr16:2,117,568, A>G on the plus strand (T>C on the coding strand, the complement: PKD1 is on the minus strand). VCF-style: chr16-2117568-A-G. GRCh37 (hg19) VCF-style: chr16-2167569-A-G.
Other names: c.1306T>C (NM_001009944.2); c.1306T>C, p.Cys436Arg (NM_000296.4); short protein forms C436R.
Identifiers: ClinVar variation 447968 (VCV000447968.2), dbSNP rs1555458892, ClinGen allele CA394392588.